The following is an entry in ClinVar:

ClinVar aggregate classification (germline): Uncertain significance (1 of 4 stars; one submission).

Submission:

GeneDx
Classification: Uncertain significance. Last evaluated: 2024-08-09. Review status: criteria provided, single submitter. Criteria: GeneDx Variant Classification Process June 2021. Collection method: clinical testing. Allele origin: germline. Affected: yes.
Comment: Not observed at significant frequency in large population cohorts (gnomAD); In silico analysis supports that this missense variant has a deleterious effect on protein structure/function; In silico analysis supports a deleterious effect on splicing; Has not been previously published as pathogenic or benign to our knowledge

NM_018896.5(CACNA1G):c.4701A>T (p.Arg1567Ser)

Gene: CACNA1G (calcium voltage-gated channel subunit alpha1 G; plus strand). Cytogenetic location: 17q21.33.
Variant type: single nucleotide variant.
Coding change: c.4701A>T on transcript NM_018896.5 (MANE Select); coding-DNA position 4701, A replaced by T.
Protein change: p.Arg1567Ser; replaces arginine 1567 with serine.
Molecular consequence: missense variant. On other transcripts: non-coding transcript variant (5).
Genome position (GRCh38, 1-based): chr17:50,608,015, A>T. VCF-style: chr17-50608015-A-T. GRCh37 (hg19) VCF-style: chr17-48685376-A-T.
Other names: c.4701A>T, p.Arg1567Ser (NM_001256324.2, NM_001256325.2, NM_001256327.2 and 9 more transcripts); c.4599A>T, p.Arg1533Ser (NM_001256326.2, NM_001256329.2, NM_001256330.2 and 1 more transcripts); c.4530A>T, p.Arg1510Ser (NM_001256332.2); c.4620A>T, p.Arg1540Ser (NM_001256359.2, NM_001256361.2); c.4626A>T, p.Arg1542Ser (NM_001256360.2); c.4632A>T, p.Arg1544Ser (NM_198376.3, NM_198379.3, NM_198382.3 and 4 more transcripts); short protein forms R1510S, R1533S, R1540S, R1542S, R1544S, R1567S.
Identifiers: ClinVar variation 3602888 (VCV003602888.1).